The following is an entry in ClinVar:

ClinVar aggregate classification (germline): Uncertain significance (1 of 4 stars; one submission).

Conditions:
Juvenile polyposis syndrome (JPS). Identifiers: Orphanet 2929, MedGen C0345893, MONDO:0017380, OMIM 174900.

Submission:

Labcorp Genetics (formerly Invitae), Labcorp
Classification: Uncertain significance for Juvenile polyposis syndrome. Last evaluated: 2020-06-30. Review status: criteria provided, single submitter. Criteria: Invitae Variant Classification Sherloc (09022015). Collection method: clinical testing. Allele origin: germline.
Comment: This variant, c.778_780del, results in the deletion of 1 amino acid(s) of the BMPR1A protein (p.Val260del), but otherwise preserves the integrity of the reading frame. This variant is not present in population databases (ExAC no frequency). In summary, the available evidence is currently insufficient to determine the role of this variant in disease. Therefore, it has been classified as a Variant of Uncertain Significance. Experimental studies and prediction algorithms are not available for this variant, and the functional significance of the affected amino acid(s) is currently unknown. This variant has not been reported in the literature in individuals with BMPR1A-related conditions.

NM_004329.3(BMPR1A):c.778_780del (p.Val260del)

Gene: BMPR1A (bone morphogenetic protein receptor type 1A; plus strand). Cytogenetic location: 10q23.2.
Variant type: Deletion.
Coding change: c.778_780del on transcript NM_004329.3 (MANE Select); coding-DNA positions 778 to 780, 3 bases deleted (GTG; older notation c.778_780delGTG).
Protein change: p.Val260del; deletes valine 260.
Molecular consequence: inframe deletion.
Genome position (GRCh38, 1-based): chr10:86,917,236-86,917,238, GTG deleted; deleting any 3 consecutive bases within chr10:86,917,235-86,917,238 gives the same sequence; the c. name uses the placement nearest the transcript's 3' end. VCF-style (leftmost placement, unchanged base first): chr10-86917234-CGGT-C. GRCh37 (hg19) VCF-style: chr10-88676991-CGGT-C.
Other names: short protein forms V260del.
Identifiers: ClinVar variation 864146 (VCV000864146.10), dbSNP rs1843585989, ClinGen allele CA916081590.